The following is an entry in ClinVar:

ClinVar aggregate classification (germline): Uncertain significance (1 of 4 stars; one submission).

gnomAD v4.1: 3 of 1,614,110 alleles (0.00019%); highest among the groups gnomAD compares: South Asian, 0.0022%; no homozygotes.

Submission:

Ambry Genetics
Classification: Uncertain significance. Last evaluated: 2024-08-04. Review status: criteria provided, single submitter. Criteria: Ambry Variant Classification Scheme 2023. Collection method: clinical testing. Allele origin: germline.
Comment: The p.P757S variant (also known as c.2269C>T), located in coding exon 22 of the KIF1B gene, results from a C to T substitution at nucleotide position 2269. The proline at codon 757 is replaced by serine, an amino acid with similar properties. This amino acid position is highly conserved in available vertebrate species. In addition, the in silico prediction for this alteration is inconclusive. Since supporting evidence is limited at this time, the clinical significance of this alteration remains unclear.

NM_001365951.3(KIF1B):c.2407C>T (p.Pro803Ser)

Gene: KIF1B (kinesin family member 1B; plus strand). Cytogenetic location: 1p36.22.
Variant type: single nucleotide variant.
Coding change: c.2407C>T on transcript NM_001365951.3 (MANE Select); coding-DNA position 2407, C replaced by T.
Protein change: p.Pro803Ser; replaces proline 803 with serine.
Molecular consequence: missense variant.
Genome position (GRCh38, 1-based): chr1:10,323,932, C>T. VCF-style: chr1-10323932-C-T. GRCh37 (hg19) VCF-style: chr1-10383990-C-T.
Other names: c.2407C>T, p.Pro803Ser (NM_001365952.1); c.2269C>T, p.Pro757Ser (NM_015074.3); short protein forms P757S, P803S.
Identifiers: ClinVar variation 1788733 (VCV001788733.3), dbSNP rs2521622397, ClinGen allele CA338334505.